The following is an entry in ClinVar:

ClinVar aggregate classification (germline): Uncertain significance (1 of 4 stars; one submission).

Submission:

GeneDx
Classification: Uncertain significance. Last evaluated: 2025-07-15. Review status: criteria provided, single submitter. Criteria: GeneDx Variant Classification Process June 2021. Collection method: clinical testing. Allele origin: germline. Affected: yes.
Comment: Not observed at significant frequency in large population cohorts (gnomAD); In silico analysis supports that this missense variant has a deleterious effect on protein structure/function; Has not been previously published as pathogenic or benign to our knowledge

NM_015215.4(CAMTA1):c.326T>C (p.Leu109Pro)

Gene: CAMTA1 (calmodulin binding transcription activator 1; plus strand). Cytogenetic location: 1p36.23.
Variant type: single nucleotide variant.
Coding change: c.326T>C on transcript NM_015215.4 (MANE Select); coding-DNA position 326, T replaced by C.
Protein change: p.Leu109Pro; replaces leucine 109 with proline.
Molecular consequence: missense variant.
Genome position (GRCh38, 1-based): chr1:7,249,514, T>C. VCF-style: chr1-7249514-T-C. GRCh37 (hg19) VCF-style: chr1-7309574-T-C.
Other names: c.236T>C, p.Leu79Pro (NM_001349608.2, NM_001349612.2); c.326T>C, p.Leu109Pro (NM_001349609.2, NM_001349610.2, NM_001410737.1 and 1 more transcripts); short protein forms L109P, L79P.
Identifiers: ClinVar variation 4686482 (VCV004686482.1).